The following is an entry in ClinVar:

NM_015656.2(KIF26A):c.879G>C (p.Val293=)

Gene: KIF26A (kinesin family member 26A; plus strand). Cytogenetic location: 14q32.33.
Variant type: single nucleotide variant.
Coding change: c.879G>C on transcript NM_015656.2 (MANE Select); coding-DNA position 879, G replaced by C.
Protein change: p.Val293=; no amino-acid change (valine 293 retained).
Molecular consequence: synonymous variant.
Genome position (GRCh38, 1-based): chr14:104,157,898, G>C. VCF-style: chr14-104157898-G-C. GRCh37 (hg19) VCF-style: chr14-104624235-G-C.
Identifiers: ClinVar variation 4534197 (VCV004534197.6).

ClinVar aggregate classification (germline): Likely benign (1 of 4 stars; one submission).

gnomAD v4.1: 56 of 1,564,922 alleles (0.0036%); highest among the groups gnomAD compares: Admixed American, 0.0054%; no homozygotes.

Submission:

CeGaT Center for Human Genetics Tuebingen
Classification: Likely benign. Last evaluated: 2025-11-01. Review status: criteria provided, single submitter. Criteria: CeGaT Center For Human Genetics Tuebingen Variant Classification Criteria Version 2. Collection method: clinical testing. Allele origin: germline. Affected: yes. Observed: 1 variant allele.
Comment: KIF26A: BP4, BP7